The following is an entry in ClinVar:

ClinVar aggregate classification (germline): Uncertain significance (1 of 4 stars; one submission).

Allele frequency attached by ClinVar (database versions not stated): gnomAD exomes below 0.00001.
gnomAD v4.1: 1 of 1,211,118 alleles (0.000083%); highest among the groups gnomAD compares: Non-Finnish European, 0.00011%; no homozygotes.

Submission:

GeneDx
Classification: Uncertain significance. Last evaluated: 2023-12-11. Review status: criteria provided, single submitter. Criteria: GeneDx Variant Classification Process June 2021. Collection method: clinical testing. Allele origin: germline. Affected: yes.
Comment: Not observed at significant frequency in large population cohorts (gnomAD); In silico analysis supports that this missense variant has a deleterious effect on protein structure/function; Has not been previously published as pathogenic or benign to our knowledge

NM_001379110.1(SLC9A6):c.211C>G (p.Pro71Ala)

Gene: SLC9A6 (solute carrier family 9 member A6; plus strand). Cytogenetic location: Xq26.3.
Variant type: single nucleotide variant.
Coding change: c.211C>G on transcript NM_001379110.1 (MANE Select); coding-DNA position 211, C replaced by G.
Protein change: p.Pro71Ala; replaces proline 71 with alanine.
Molecular consequence: missense variant.
Genome position (GRCh38, 1-based): chrX:135,994,827, C>G. VCF-style: chrX-135994827-C-G. GRCh37 (hg19) VCF-style: chrX-135076986-C-G.
Other names: c.367C>G, p.Pro123Ala (NM_001042537.2, NM_006359.3); c.211C>G, p.Pro71Ala (NM_001177651.2, NM_001330652.2, NM_001400909.1 and 4 more transcripts); short protein forms P123A, P71A.
Identifiers: ClinVar variation 3252191 (VCV003252191.1), dbSNP rs587784400.